The following is an entry in ClinVar:

NM_000157.4(GBA1):c.681T>G (p.Asn227Lys)

Genes: GBA1 (glucosylceramidase beta 1; minus strand), LOC106627981 (GBA recombination region; plus strand). Cytogenetic location: 1q22.
Variant type: single nucleotide variant.
Coding change: c.681T>G on transcript NM_000157.4 (MANE Select); coding-DNA position 681, T replaced by G.
Protein change: p.Asn227Lys; replaces asparagine 227 with lysine.
Molecular consequence: missense variant.
Genome position (GRCh38, 1-based): chr1:155,238,214, A>C on the plus strand (T>G on the coding strand, the complement: GBA1 is on the minus strand). VCF-style: chr1-155238214-A-C. GRCh37 (hg19) VCF-style: chr1-155208005-A-C.
Other names: c.681T>G, p.Asn227Lys (NM_001005741.3, NM_001005742.3); c.420T>G, p.Asn140Lys (NM_001171811.2); c.534T>G, p.Asn178Lys (NM_001171812.2); c.681T>G (NM_000157.3); short protein forms N227K, N140K, N178K.
Identifiers: ClinVar variation 93458 (VCV000093458.13), dbSNP rs381418, ClinGen allele CA221409.

ClinVar aggregate classification (germline): Pathogenic/Likely pathogenic. Review status: criteria provided, multiple submitters, no conflicts (2 of 4 stars). 8 submissions from 8 submitters: Pathogenic (6); Likely pathogenic (2). Last evaluated 2025-09-30.

Conditions:
GBA-related disorder. Also called: GBA-related disorders.
Gaucher disease. Also called: Acute cerebral Gaucher disease; Cerebroside lipidosis syndrome; Gaucher splenomegaly; Sphingolipidosis 1; Glucocerebrosidosis; Glucosylceramidase deficiency. Identifiers: Orphanet 355, MedGen C0017205, MONDO:0018150.
Gaucher disease type II (GD2). Also called: Acute neuronopathic Gaucher's disease; Type 2 Gaucher disease (Acute; Infantile); GAUCHER DISEASE, ACUTE NEURONOPATHIC TYPE; GD II. Identifiers: Orphanet 77260, MedGen C0268250, MONDO:0009266, OMIM 230900.
Gaucher disease type I (GD1). Also called: GD 1; Gaucher's disease, type 1; ACID BETA-GLUCOSIDASE DEFICIENCY; Type 1 Gaucher Disease; GAUCHER DISEASE, NONCEREBRAL JUVENILE; GBA DEFICIENCY. Identifiers: Orphanet 355, Orphanet 77259, MedGen C1961835, MONDO:0009265, OMIM 230800.
Gaucher disease type III. Also called: Gaucher Disease, Type 3; Subacute neuronopathic Gaucher's disease; Type 3 Gaucher disease (Subacute; Juvenile); GAUCHER DISEASE, CHRONIC NEURONOPATHIC TYPE; GAUCHER DISEASE, JUVENILE AND ADULT, CEREBRAL; GAUCHER DISEASE, SUBACUTE NEURONOPATHIC TYPE. Identifiers: Orphanet 355, Orphanet 77261, MedGen C0268251, MONDO:0009267, OMIM 231000.
Gaucher disease-ophthalmoplegia-cardiovascular calcification syndrome. Also called: GAUCHER DISEASE, TYPE IIIC. Identifiers: Orphanet 2072, MedGen C1856476, MONDO:0009268, OMIM 231005.

Allele frequency attached by ClinVar (database versions not stated): ExAC 0.00001; gnomAD exomes 0.00001; TOPMed 0.00002; gnomAD 0.00003.
gnomAD v4.1: 13 of 1,613,880 alleles (0.00081%); highest among the groups gnomAD compares: Admixed American, 0.005%; no homozygotes.

Submissions (8):

Natera, Inc.
Classification: Pathogenic for Gaucher disease. Last evaluated: 2025-09-30. Review status: criteria provided, single submitter. Criteria: Natera Variant Classification Schema (03/2026). Collection method: clinical testing. Allele origin: germline.
Comment: The c.681T>G variant in GBA1 is a missense variant predicted to cause substitution of asparagine to lysine at amino acid 227. This variant is rare in the general population with a frequency below the threshold expected for the associated phenotype(s). This variant has been observed in one or more individuals affected with the associated recessive disease, as either homozygous or compound heterozygous with a second variant (PMID: 27872820, 33176831). Given the available evidence, this variant is classified as Pathogenic.

Blueprint Genetics
Classification: Likely pathogenic for GBA-related disorders. Last evaluated: 2024-03-26. Review status: criteria provided, single submitter. Criteria: ACMG Guidelines, 2015. Collection method: clinical testing. Allele origin: germline. Affected: yes. Observed: 5 variant alleles.

ARUP Laboratories, Molecular Genetics and Genomics, ARUP Laboratories
Classification: Pathogenic. Last evaluated: 2023-08-08. Review status: criteria provided, single submitter. Criteria: ARUP Molecular Germline Variant Investigation Process 2024. Collection method: clinical testing. Allele origin: germline.
Comment: The GBA c.681T>G; p.Asn227Lys variant (rs381418), also known as Asn188Lys for legacy nomenclature, is reported in multiple individuals with Gaucher disease or GBA-associated Parkinson's disease (Amico 2016, Germain 1998, Guedes 2017, Kim 2020, Ortiz-Cabrera 2016). This variant is also reported in ClinVar (Variation ID: 93458). It is only found on four alleles in the Genome Aggregation Database, indicating it is not a common polymorphism. Computational analyses are uncertain whether this variant is neutral or deleterious (REVEL: 0.587). A different variant at this codon, p.Asn227Ser, has also been reported in association with Gaucher disease and is considered to be pathogenic (see ClinVar Variation ID: 4314). Based on available information, the p.Asn227Lys variant is considered to be pathogenic. References: Amico G et al. MLPA-based approach for initial and simultaneous detection of GBA deletions and recombinant alleles in patients affected by Gaucher Disease. Mol Genet Metab. 2016 Dec;119(4):329-337. PMID: 27802905. Germain DP et al. Exhaustive screening of the acid beta-glucosidase gene, by fluorescence-assisted mismatch analysis using universal primers: mutation profile and genotype/phenotype correlations in Gaucher disease. Am J Hum Genet. 1998 Aug;63(2):415-27. PMID: 9683600. Guedes LC et al. Serum lipid alterations in GBA-associated Parkinson's disease. Parkinsonism Relat Disord. 2017 Nov;44:58-65. PMID: 28890071. Kim YM et al. The GBA p.G85E mutation in Korean patients with non-neuronopathic Gaucher disease: founder and neuroprotective effects. Orphanet J Rare Dis. 2020 Nov 11;15(1):318. PMID: 33176831. Ortiz-Cabrera NV et al. Nine-year experience in Gaucher disease diagnosis at the Spanish reference center Fundacion Jimenez Diaz. Mol Genet Metab Rep. 2016 Nov 13;9:79-85. PMID: 27872820.

Women's Health and Genetics/Laboratory Corporation of America, LabCorp
Classification: Pathogenic for Gaucher disease. Last evaluated: 2023-02-13. Review status: criteria provided, single submitter. Criteria: LabCorp Variant Classification Summary - May 2015. Collection method: clinical testing. Allele origin: germline.
Comment: Variant summary: GBA c.681T>G (p.Asn227Lys) results in a non-conservative amino acid change in the encoded protein sequence. Three of five in-silico tools predict a damaging effect of the variant on protein function. The variant allele was found at a frequency of 1.2e-05 in 251364 control chromosomes. c.681T>G has been reported in the literature in individuals affected with Gaucher Disease. These data indicate that the variant may be associated with disease. To our knowledge, no experimental evidence demonstrating an impact on protein function has been reported. Two clinical diagnostic laboratories have submitted clinical-significance assessments for this variant to ClinVar after 2014 without evidence for independent evaluation. Both laboratories classified the variant as pathogenic/likely pathogenic. Based on the evidence outlined above, the variant was classified as pathogenic.

Broad Center for Mendelian Genomics, Broad Institute of MIT and Harvard
Classification: Likely pathogenic for Gaucher disease. Last evaluated: 2020-01-29. Review status: criteria provided, single submitter. Criteria: ACMG Guidelines, 2015. Collection method: curation. Allele origin: germline. Inheritance: Autosomal recessive inheritance.
Comment: The p.Asn227Lys variant in GBA has been reported in 5 individuals with Gaucher disease (PMID: 9683600, 23719189, 10649495, 25435509, 27872820) and has been identified in 0.002% (2/113716) European (non-Finnish) chromosomes by the Genome Aggregation Database (gnomAD; dbSNP rs381418). Please note that 1 additional individual in gnomAD has this change in phase with an additional nucleotide change, resulting in a multinucleotide variant (p.Asn227Arg). Although this variant has been seen in the general population, its frequency is low enough to be consistent with a recessive carrier frequency. This variant has also been reported in ClinVar (VariationID: 93458) as pathogenic by EGL Genetic Diagnostics. The phenotype of individuals compound heterozygous for this variant is highly specific for Gaucher disease based on null or very low beta-glucosidase levels consistent with disease (PMID: 27872820, 9683600). One additional likely pathogenic variant, resulting in a different amino acid change at the same position, p.Asn227Ile, has been reported in association with disease in the literature, slightly supporting that a change at this position may not be tolerated (PMID: 26743617, 24022302). The presence of this variant in combination with reported pathogenic variants and in 3 individuals with Gaucher disease increases the likelihood that the p.Asn227Lys variant is pathogenic (VariationID: 4288, 4290; PMID: 9683600, 23719189, 27872820). In summary, although additional studies are required to fully establish its clinical significance, this variant is likely pathogenic. ACMG/AMP Criteria applied: PM2, PM3, PM5_supporting, PP4 (Richards 2015).

Eurofins Ntd Llc (ga)
Classification: Pathogenic. Last evaluated: 2017-05-26. Review status: criteria provided, single submitter. Criteria: EGL Classification Definitions 2015. Collection method: clinical testing. Allele origin: germline. Observed: 4 variant alleles, 4 heterozygotes.

Baylor Genetics
Classification: Pathogenic for Gaucher disease type I; Gaucher disease type II; Gaucher disease type III; Gaucher disease-ophthalmoplegia-cardiovascular calcification syndrome. Review status: criteria provided, single submitter. Criteria: ACMG Guidelines, 2015. Collection method: clinical testing. Allele origin: germline.

Neuberg Centre For Genomic Medicine, NCGM
Classification: Pathogenic for Gaucher disease type II. Review status: criteria provided, single submitter. Criteria: ACMG Guidelines, 2015. Collection method: clinical testing. Allele origin: germline. Inheritance: Autosomal recessive inheritance. Affected: yes.
Comment: The missense c.681T>G(p.Asn227Lys) variant in GBA gene has been reported previously in compound heterozygous and homozygous states in multiple individuals affected with Gaucher Disease (Ortiz-Cabrera NV, et al., 2016; Weiss K, et al., 2015; Tammachote R, et al., 2013; Stone DL, et al., 2000). The p.Asn227Lys variant is present with allele frequency of 0.007% in gnomAD Exomes. This variant has been reported to the ClinVar database as Likely Pathogenic / Pathogenic (multiple submissions). Multiple lines of computational evidences (Polyphen - Benign, SIFT - Tolerated and MutationTaster - Disease causing) predict conflicting evidence on protein structure and function for this variant. The reference amino acid at this position on GBA gene is predicted as conserved by PhyloP across 100 vertebrates. The amino acid Asn at position 227 is changed to a Lys changing protein sequence and it might alter its composition and physico-chemical properties. Other missense variants [c.680A>T (p.Asn227Ile)] & [c.680A>G (p.Asn227Ser)] on the same residue of this gene have previously been reported to be disease causing (Malini E, et al., 2014), suggesting that this residue might be of clinical significance. For these reasons, this variant has been classified as Pathogenic.

Literature cited by the submitters: PubMed 27872820 (cited by Natera, Inc. and Broad Center for Mendelian Genomics, Broad Institute of MIT and Harvard); PubMed 33176831 (cited by Natera, Inc.); PubMed 1899336 (cited by Women's Health and Genetics/Laboratory Corporation of America, LabCorp); PubMed 31816052 (cited by Women's Health and Genetics/Laboratory Corporation of America, LabCorp); PubMed 9683600 (cited by Women's Health and Genetics/Laboratory Corporation of America, LabCorp and Broad Center for Mendelian Genomics, Broad Institute of MIT and Harvard); PubMed 10649495 (cited by Broad Center for Mendelian Genomics, Broad Institute of MIT and Harvard); PubMed 23719189 (cited by Broad Center for Mendelian Genomics, Broad Institute of MIT and Harvard); PubMed 25435509 (cited by Broad Center for Mendelian Genomics, Broad Institute of MIT and Harvard).